The following is an entry in ClinVar:

ClinVar aggregate classification (germline): Likely benign (1 of 4 stars; one submission).

Allele frequency attached by ClinVar (database versions not stated): gnomAD exomes below 0.00001.
gnomAD v4.1: 1 of 1,534,778 alleles (0.000065%); highest among the groups gnomAD compares: Non-Finnish European, 0.000087%; no homozygotes.

Submission:

CeGaT Center for Human Genetics Tuebingen
Classification: Likely benign. Last evaluated: 2022-06-01. Review status: criteria provided, single submitter. Criteria: CeGaT Center For Human Genetics Tuebingen Variant Classification Criteria Version 2. Collection method: clinical testing. Allele origin: germline. Affected: yes. Observed: 1 variant allele.
Comment: HDAC9: PM2:Supporting, BP4, BP7

NM_001321868.2(HDAC9):c.26-37401A>G

Gene: HDAC9 (histone deacetylase 9; plus strand). Cytogenetic location: 7p21.1.
Variant type: single nucleotide variant.
Coding change: c.26-37401A>G on transcript NM_001321868.2; 37401 bases into the intron before coding-DNA position 26, A replaced by G.
Molecular consequence: intron variant. On other transcripts: synonymous variant (1).
Genome position (GRCh38, 1-based): chr7:18,458,861, A>G. VCF-style: chr7-18458861-A-G. GRCh37 (hg19) VCF-style: chr7-18498484-A-G.
Other names: c.45A>G, p.Val15= (NM_001204144.3); c.26-37401A>G (NM_001321869.2, NM_001321872.2, NM_001321873.2 and 2 more transcripts); c.-193-37401A>G (NM_001321896.2).
Identifiers: ClinVar variation 2657331 (VCV002657331.22), dbSNP rs2485445441, ClinGen allele CA454055876.